The following is an entry in ClinVar:

NM_001142301.1(TMEM67):c.-207del

Gene: TMEM67 (transmembrane protein 67; plus strand). Cytogenetic location: 8q22.1.
Variant type: Deletion.
Coding change: c.-207del on transcript NM_001142301.1; 207 bases upstream of the start codon, one base deleted (G; older notation c.-207delG).
Molecular consequence: 5 prime UTR variant.
Genome position (GRCh38, 1-based): chr8:93,754,882, G deleted; the last of 6 consecutive G bases (chr8:93,754,877-93,754,882); deleting any one gives the same sequence. VCF-style (leftmost placement, unchanged base first): chr8-93754876-TG-T. GRCh37 (hg19) VCF-style: chr8-94767104-TG-T.
Other names: c.-33delG (NM_153704.5); c.-33_-33delG (NM_153704.5).
Identifiers: ClinVar variation 363915 (VCV000363915.9), dbSNP rs145334032, ClinGen allele CA4807476.
Genomic context (GRCh38, chr8:93,754,876, plus strand): 5'-ACTTCCGGTACCCGGACTTGGGTTGTCCAATCAGCTCAGCGAAGCCGCCGCAGAGGCTGA[TG>T]GGGGGCTGGAGGCTGTGAGGCTTCCAGCGTCGGTACCATGGCGACGCGCGGTGGGGCTGG-3'

ClinVar aggregate classification (germline): Likely benign. Review status: criteria provided, single submitter (1 of 4 stars). 2 submissions from 2 submitters: Likely benign (1). 1 of the submissions does not count toward it. Last evaluated 2017-07-03.

Conditions:
TMEM67-related disorder. Also called: TMEM67-related disorders; TMEM67-related condition. Identifiers: MedGen CN239423.

Submissions (2):

GeneDx
Classification: Likely benign. Last evaluated: 2017-07-03. Review status: criteria provided, single submitter. Criteria: GeneDx Variant Classification (06012015). Collection method: clinical testing. Allele origin: germline. Affected: yes.
Comment: This variant is considered likely benign or benign based on one or more of the following criteria: it is a conservative change, it occurs at a poorly conserved position in the protein, it is predicted to be benign by multiple in silico algorithms, and/or has population frequency not consistent with disease.

PreventionGenetics, part of Exact Sciences
Classification: Likely benign for TMEM67-related condition. Last evaluated: 2022-06-24. Review status: no assertion criteria provided. Collection method: clinical testing. Allele origin: germline. Not counted in ClinVar's aggregate classification.
Comment: This variant is classified as likely benign based on ACMG/AMP sequence variant interpretation guidelines (Richards et al. 2015 PMID: 25741868, with internal and published modifications).